The following is an entry in ClinVar:

ClinVar aggregate classification (germline): Uncertain significance. Review status: criteria provided, multiple submitters, no conflicts (2 of 4 stars). 4 submissions from 4 submitters: Uncertain significance (4). Last evaluated 2023-11-10.

Conditions:
Intellectual developmental disorder, autosomal dominant 30, with speech delay and behavioral abnormalities. Also called: Intellectual disability, autosomal dominant 30. Identifiers: Orphanet 436151, MedGen C4015167, MONDO:0014486, OMIM 616083.

Allele frequency attached by ClinVar (database versions not stated): gnomAD 0.00001; TOPMed below 0.00001.
gnomAD v4.1: 2 of 1,614,006 alleles (0.00012%); highest among the groups gnomAD compares: Non-Finnish European, 0.00017%; no homozygotes.

Submissions (4):

Clinical Genetics Laboratory, Skane University Hospital Lund
Classification: Uncertain significance. Last evaluated: 2023-11-10. Review status: criteria provided, single submitter. Criteria: ACMG Guidelines, 2015. Collection method: clinical testing. Allele origin: germline. Affected: yes.

Revvity Omics, Revvity
Classification: Uncertain significance for Intellectual developmental disorder, autosomal dominant 30, with speech delay and behavioral abnormalities. Last evaluated: 2023-01-12. Review status: criteria provided, single submitter. Criteria: ACMG Guidelines, 2015. Collection method: clinical testing. Allele origin: germline.

Labcorp Genetics (formerly Invitae), Labcorp
Classification: Uncertain significance. Last evaluated: 2021-08-12. Review status: criteria provided, single submitter. Criteria: Invitae Variant Classification Sherloc (09022015). Collection method: clinical testing. Allele origin: germline.
Comment: This variant is not present in population databases (ExAC no frequency). In summary, the available evidence is currently insufficient to determine the role of this variant in disease. Therefore, it has been classified as a Variant of Uncertain Significance. Algorithms developed to predict the effect of missense changes on protein structure and function are either unavailable or do not agree on the potential impact of this missense change (SIFT: "Deleterious"; PolyPhen-2: "Probably Damaging"; Align-GVGD: "Class C0"). This variant has not been reported in the literature in individuals affected with ZMYND11-related conditions. This sequence change replaces proline with serine at codon 425 of the ZMYND11 protein (p.Pro425Ser). The proline residue is highly conserved and there is a moderate physicochemical difference between proline and serine.

GeneDx
Classification: Uncertain significance. Last evaluated: 2019-12-19. Review status: criteria provided, single submitter. Criteria: GeneDx Variant Classification Process June 2021. Collection method: clinical testing. Allele origin: germline. Affected: yes.
Comment: Not observed in large population cohorts (Lek et al., 2016); In silico analysis, which includes protein predictors and evolutionary conservation, supports that this variant does not alter protein structure/function; Has not been previously published as pathogenic or benign to our knowledge

NM_001370100.5(ZMYND11):c.1273C>T (p.Pro425Ser)

Genes: ZMYND11 (zinc finger MYND-type containing 11; plus strand), LOC126860802 (BRD4-independent group 4 enhancer GRCh37_chr10:294268-295467; plus strand). Cytogenetic location: 10p15.3.
Variant type: single nucleotide variant.
Coding change: c.1273C>T on transcript NM_001370100.5 (MANE Select); coding-DNA position 1273, C replaced by T.
Protein change: p.Pro425Ser; replaces proline 425 with serine.
Molecular consequence: missense variant. On other transcripts: non-coding transcript variant (1).
Genome position (GRCh38, 1-based): chr10:248,381, C>T. VCF-style: chr10-248381-C-T. GRCh37 (hg19) VCF-style: chr10-294321-C-T.
Other names: c.1111C>T, p.Pro371Ser (NM_001202464.3, NM_001202467.1, NM_001370103.2 and 6 more transcripts); c.1018C>T, p.Pro340Ser (NM_001202465.3, NM_001370110.2); c.1108C>T, p.Pro370Ser (NM_001202466.3, NM_001370111.2); c.1273C>T, p.Pro425Ser (NM_001202468.1, NM_001370097.3, NM_001370098.2 and 4 more transcripts); c.1222C>T, p.Pro408Ser (NM_001330057.3, NM_001370112.2); c.1153C>T, p.Pro385Ser (NM_001370118.2); c.1126C>T, p.Pro376Ser (NM_001370119.2); c.1045C>T, p.Pro349Ser (NM_001370120.2); and 8 more; short protein forms P268S, P306S, P323S, P331S, P340S, P349S, P370S, P371S.
Identifiers: ClinVar variation 1311426 (VCV001311426.9), dbSNP rs1204710018, ClinGen allele CA375822109.
Genomic context (GRCh38, chr10:248,381, plus strand): 5'-TGTCTCACCTTTTAGGAACCAGAGCCTGAAACAGAAGCAGTAAGTTCTAGCCAGGAAATA[C>T]CCACGATGCCTCAGCCCATCGAAAAAGTCTCCGTGTCAACTCAGACAAAGAAGTTAAGTG-3'
Protein context (NP_001357029.1, residues 415-435): TEAVSSSQEI[Pro425Ser]TMPQPIEKVS